The following is an entry in ClinVar:

ClinVar aggregate classification (germline): Benign/Likely benign. Review status: criteria provided, multiple submitters, no conflicts (2 of 4 stars). 2 submissions from 2 submitters: Benign (1); Likely benign (1). Last evaluated 2025-02-07.

Conditions:
Hereditary cancer-predisposing syndrome. Also called: Neoplastic Syndromes, Hereditary; Tumor predisposition; Hereditary neoplastic syndrome; Hereditary Cancer Syndrome. Identifiers: Orphanet 140162, MedGen C0027672, MeSH D009386, MONDO:0015356.
POLD1-related polyposis and colorectal cancer syndrome (CRCS10). Also called: COLORECTAL CANCER, SUSCEPTIBILITY TO, ON CHROMOSOME 19q; Colorectal cancer 10; Colorectal cancer, susceptibility to, 10. Identifiers: Orphanet 220460, MedGen C2675481, MONDO:0012953, OMIM 612591.

Allele frequency attached by ClinVar (database versions not stated): gnomAD 0.00001.
gnomAD v4.1: 1 of 1,613,406 alleles (0.000062%); highest among the groups gnomAD compares: African/African-American, 0.0013%; no homozygotes.

Submissions (2):

Myriad Genetics, Inc.
Classification: Benign for POLD1-related polyposis and colorectal cancer syndrome. Last evaluated: 2025-02-07. Review status: criteria provided, single submitter. Criteria: Myriad Autosomal Dominant, Autosomal Recessive and X-Linked Classification Criteria (2023). Collection method: clinical testing. Allele origin: unknown.
Comment: This variant is considered benign. This variant is a silent/synonymous amino acid change and it is not expected to impact splicing.

Ambry Genetics
Classification: Likely benign for Hereditary cancer-predisposing syndrome. Last evaluated: 2022-05-12. Review status: criteria provided, single submitter. Criteria: Ambry Variant Classification Scheme 2023. Collection method: clinical testing. Allele origin: germline.

NM_002691.4(POLD1):c.1623G>C (p.Val541=)

Gene: POLD1 (DNA polymerase delta 1, catalytic subunit; plus strand). Cytogenetic location: 19q13.33.
Variant type: single nucleotide variant.
Coding change: c.1623G>C on transcript NM_002691.4 (MANE Select); coding-DNA position 1623, G replaced by C.
Protein change: p.Val541=; no amino-acid change (valine 541 retained).
Molecular consequence: synonymous variant. On other transcripts: non-coding transcript variant (1).
Genome position (GRCh38, 1-based): chr19:50,407,111, G>C. VCF-style: chr19-50407111-G-C. GRCh37 (hg19) VCF-style: chr19-50910368-G-C.
Other names: c.1623G>C, p.Val541= (NM_001256849.1, NM_001308632.1).
Identifiers: ClinVar variation 1776650 (VCV001776650.3), dbSNP rs1451482701, ClinGen allele CA508184044.